The following is an entry in ClinVar:

NM_002016.2(FLG):c.4504G>T (p.Gly1502Ter)

Genes: CCDST (cervical cancer associated DHX9 suppressive transcript; plus strand), FLG (filaggrin; minus strand). Cytogenetic location: 1q21.3.
Variant type: single nucleotide variant.
Coding change: c.4504G>T on transcript NM_002016.2 (MANE Select); coding-DNA position 4504, G replaced by T.
Protein change: p.Gly1502Ter; replaces glycine 1502 with a stop codon.
Molecular consequence: nonsense.
Genome position (GRCh38, 1-based): chr1:152,310,382, C>A on the plus strand (G>T on the coding strand, the complement: FLG is on the minus strand). VCF-style: chr1-152310382-C-A. GRCh37 (hg19) VCF-style: chr1-152282858-C-A.
Other names: short protein forms G1502*.
Identifiers: ClinVar variation 5018509 (VCV005018509.2).

ClinVar aggregate classification (germline): Uncertain significance (1 of 4 stars; one submission).

Conditions:
Ichthyosis vulgaris. Also called: ICHTHYOSIS SIMPLEX; Dominant ichthyosis vulgaris. Identifiers: MedGen C0079584, MONDO:0024304, OMIM 146700.
Dermatitis, atopic, 2. Identifiers: MedGen C1853965, MONDO:0011596, OMIM 605803.

Submission:

Juno Genomics, Hangzhou Juno Genomics, Inc
Classification: Uncertain significance for Dermatitis, atopic, 2; Ichthyosis vulgaris. Review status: criteria provided, single submitter. Criteria: ACMG Guidelines, 2015. Collection method: clinical testing. Allele origin: germline.
Comment: Null variant in a gene where loss of function (LOF) is a known mechanism of disease.;Absent from controls (or at extremely low frequency if recessive) in Genome Aggregation Database.